The following is an entry in ClinVar:

ClinVar aggregate classification (germline): Uncertain significance (1 of 4 stars; one submission).

Conditions:
Long QT syndrome (LQTS). Identifiers: MedGen C0023976, MeSH D008133, MONDO:0002442. Disease mechanism: loss of function. Inheritance: Various modes of inheritance.

Allele frequency attached by ClinVar (database versions not stated): TOPMed below 0.00001.
gnomAD v4.1: 1 of 1,613,588 alleles (0.000062%); no homozygotes.

Submission:

Labcorp Genetics (formerly Invitae), Labcorp
Classification: Uncertain significance for Long QT syndrome. Last evaluated: 2025-04-29. Review status: criteria provided, single submitter. Criteria: Invitae Variant Classification Sherloc (09022015). Collection method: clinical testing. Allele origin: germline.
Comment: This sequence change replaces aspartic acid, which is acidic and polar, with asparagine, which is neutral and polar, at codon 1864 of the CACNA1C protein (p.Asp1864Asn). This variant is not present in population databases (gnomAD no frequency). This variant has not been reported in the literature in individuals affected with CACNA1C-related conditions. ClinVar contains an entry for this variant (Variation ID: 2767038). Invitae Evidence Modeling of protein sequence and biophysical properties (such as structural, functional, and spatial information, amino acid conservation, physicochemical variation, residue mobility, and thermodynamic stability) indicates that this missense variant is not expected to disrupt CACNA1C protein function with a negative predictive value of 95%. In summary, the available evidence is currently insufficient to determine the role of this variant in disease. Therefore, it has been classified as a Variant of Uncertain Significance.

NM_000719.7(CACNA1C):c.5590G>A (p.Asp1864Asn)

Genes: CACNA1C (calcium voltage-gated channel subunit alpha1 C; plus strand), CACNA1C-AS1 (CACNA1C antisense RNA 1; minus strand). Cytogenetic location: 12p13.33.
Variant type: single nucleotide variant.
Coding change: c.5590G>A on transcript NM_000719.7 (MANE Select); coding-DNA position 5590, G replaced by A.
Protein change: p.Asp1864Asn; replaces aspartic acid 1864 with asparagine.
Molecular consequence: missense variant.
Genome position (GRCh38, 1-based): chr12:2,685,752, G>A. VCF-style: chr12-2685752-G-A. GRCh37 (hg19) VCF-style: chr12-2794918-G-A.
Other names: c.5674G>A, p.Asp1892Asn (NM_001129831.2); c.5650G>A, p.Asp1884Asn (NM_001129832.2); c.5647G>A, p.Asp1883Asn (NM_001129833.2, NM_001129834.2, NM_001129835.2); c.5641G>A, p.Asp1881Asn (NM_001129836.2); c.5614G>A, p.Asp1872Asn (NM_001129837.2, NM_001129838.2); c.5608G>A, p.Asp1870Asn (NM_001129839.2); c.5590G>A, p.Asp1864Asn (NM_001129840.2, NM_001129841.2, NM_001129842.2 and 2 more transcripts); c.5581G>A, p.Asp1861Asn (NM_001129844.2); and 6 more; short protein forms D1861N, D1872N, D1892N, D1947N, D1864N, D1883N, D1884N, D1905N.
Identifiers: ClinVar variation 2767038 (VCV002767038.3), dbSNP rs1481230748, ClinGen allele CA383381861.